The following is an entry in ClinVar:

ClinVar aggregate classification (germline): Benign/Likely benign. Review status: criteria provided, multiple submitters, no conflicts (2 of 4 stars). 3 submissions from 3 submitters: Benign (1); Likely benign (2). Last evaluated 2026-09-18.

Conditions:
Colorectal cancer, hereditary nonpolyposis, type 7. Identifiers: Orphanet 144, MedGen C1858380, MONDO:0013725, OMIM 614385.

Allele frequency attached by ClinVar (database versions not stated): TOPMed below 0.00001; ExAC 0.00001.

Submissions (3):

Myriad Genetics, Inc.
Classification: Benign for Colorectal cancer, hereditary nonpolyposis, type 7. Last evaluated: 2026-09-18. Review status: criteria provided, single submitter. Criteria: Myriad Autosomal Dominant, Autosomal Recessive and X-Linked Classification Criteria (2023). Collection method: clinical testing. Allele origin: unknown.
Comment: This variant is considered benign. This variant is a silent/synonymous amino acid change and it is not expected to impact splicing.

Labcorp Genetics (formerly Invitae), Labcorp
Classification: Likely benign for Colorectal cancer, hereditary nonpolyposis, type 7. Last evaluated: 2023-02-17. Review status: criteria provided, single submitter. Criteria: Invitae Variant Classification Sherloc (09022015). Collection method: clinical testing. Allele origin: germline.

Ambry Genetics
Classification: Likely benign. Last evaluated: 2019-07-02. Review status: criteria provided, single submitter. Criteria: Ambry Variant Classification Scheme 2023. Collection method: clinical testing. Allele origin: germline.

NM_001040108.2(MLH3):c.1656G>A (p.Lys552=)

Gene: MLH3 (mutL homolog 3; minus strand). Cytogenetic location: 14q24.3.
Variant type: single nucleotide variant.
Coding change: c.1656G>A on transcript NM_001040108.2 (MANE Select); coding-DNA position 1656, G replaced by A.
Protein change: p.Lys552=; no amino-acid change (lysine 552 retained).
Molecular consequence: synonymous variant.
Genome position (GRCh38, 1-based): chr14:75,048,000, C>T on the plus strand (G>A on the coding strand, the complement: MLH3 is on the minus strand). VCF-style: chr14-75048000-C-T. GRCh37 (hg19) VCF-style: chr14-75514703-C-T.
Other names: c.1656G>A, p.Lys552= (NM_014381.3).
Identifiers: ClinVar variation 1777362 (VCV001777362.6), dbSNP rs781182026, ClinGen allele CA7275838.